The following is an entry in ClinVar:

NM_139125.4(MASP1):c.1932G>A (p.Thr644=)

Gene: MASP1 (MBL associated serine protease 1; minus strand). Cytogenetic location: 3q27.3.
Variant type: single nucleotide variant.
Coding change: c.1932G>A on transcript NM_139125.4 (MANE Select); coding-DNA position 1932, G replaced by A.
Protein change: p.Thr644=; no amino-acid change (threonine 644 retained).
Molecular consequence: synonymous variant. On other transcripts: non-coding transcript variant (1), intron variant (1).
Genome position (GRCh38, 1-based): chr3:187,235,939, C>T on the plus strand (G>A on the coding strand, the complement: MASP1 is on the minus strand). VCF-style: chr3-187235939-C-T. GRCh37 (hg19) VCF-style: chr3-186953727-C-T.
Other names: c.1303+5542G>A (NM_001879.6).
Identifiers: ClinVar variation 774367 (VCV000774367.26), dbSNP rs143503196, ClinGen allele CA2749138.

ClinVar aggregate classification (germline): Likely benign. Review status: criteria provided, multiple submitters, no conflicts (2 of 4 stars). 3 submissions from 3 submitters: Likely benign (3). Last evaluated 2024-10-07.

Conditions:
3MC syndrome 1. Also called: OCULOPALATOSKELETAL SYNDROME; MICHELS SYNDROME; CRANIOSYNOSTOSIS WITH LID ANOMALIES. Identifiers: Orphanet 293843, MedGen C0796059, MONDO:0009770, OMIM 257920.

Allele frequency attached by ClinVar (database versions not stated): gnomAD exomes 0.00005 and 0.00008; gnomAD 0.00006 and 0.00021; ExAC 0.00008; ESP Exome Variant Server 0.00015; TOPMed 0.00032.
gnomAD v4.1: 116 of 1,614,096 alleles (0.0072%); highest among the groups gnomAD compares: Middle Eastern, 0.082%; no homozygotes.

Submissions (3):

Blueprint Genetics
Classification: Likely benign. Last evaluated: 2024-10-07. Review status: criteria provided, single submitter. Criteria: ACMG Guidelines, 2015. Collection method: clinical testing. Allele origin: germline.

CeGaT Center for Human Genetics Tuebingen
Classification: Likely benign. Last evaluated: 2024-07-01. Review status: criteria provided, single submitter. Criteria: CeGaT Center For Human Genetics Tuebingen Variant Classification Criteria Version 2. Collection method: clinical testing. Allele origin: germline. Affected: yes. Observed: 1 variant allele.
Comment: MASP1: BP4, BP7

Labcorp Genetics (formerly Invitae), Labcorp
Classification: Likely benign for 3MC syndrome 1. Last evaluated: 2019-06-12. Review status: criteria provided, single submitter. Criteria: Invitae Variant Classification Sherloc (09022015). Collection method: clinical testing. Allele origin: germline.